The following is an entry in ClinVar:

ClinVar aggregate classification (germline): Uncertain significance (1 of 4 stars; one submission).

Submission:

Labcorp Genetics (formerly Invitae), Labcorp
Classification: Uncertain significance. Last evaluated: 2022-05-03. Review status: criteria provided, single submitter. Criteria: Invitae Variant Classification Sherloc (09022015). Collection method: clinical testing. Allele origin: germline.
Comment: This sequence change replaces glutamine, which is neutral and polar, with lysine, which is basic and polar, at codon 601 of the PCARE protein (p.Gln601Lys). This variant is present in population databases (no rsID available, gnomAD no frequency). This variant has not been reported in the literature in individuals affected with PCARE-related conditions. Algorithms developed to predict the effect of missense changes on protein structure and function output the following: SIFT: "Tolerated"; PolyPhen-2: "Benign"; Align-GVGD: "Class C0". The lysine amino acid residue is found in multiple mammalian species, which suggests that this missense change does not adversely affect protein function. In summary, the available evidence is currently insufficient to determine the role of this variant in disease. Therefore, it has been classified as a Variant of Uncertain Significance.

NM_001029883.3(PCARE):c.1801C>A (p.Gln601Lys)

Gene: PCARE (photoreceptor cilium actin regulator; minus strand). Cytogenetic location: 2p23.2.
Variant type: single nucleotide variant.
Coding change: c.1801C>A on transcript NM_001029883.3 (MANE Select); coding-DNA position 1801, C replaced by A.
Protein change: p.Gln601Lys; replaces glutamine 601 with lysine.
Molecular consequence: missense variant.
Genome position (GRCh38, 1-based): chr2:29,072,461, G>T on the plus strand (C>A on the coding strand, the complement: PCARE is on the minus strand). VCF-style: chr2-29072461-G-T. GRCh37 (hg19) VCF-style: chr2-29295327-G-T.
Other names: short protein forms Q601K.
Identifiers: ClinVar variation 2132788 (VCV002132788.2), dbSNP rs1375736254, ClinGen allele CA346478885.